The following is an entry in ClinVar:

ClinVar aggregate classification (germline): Conflicting classifications of pathogenicity. Review status: criteria provided, conflicting classifications (1 of 4 stars). 3 submissions from 3 submitters: Uncertain significance (2); Likely benign (1). Last evaluated 2025-03-19.

Conditions:
Hereditary breast ovarian cancer syndrome. Also called: Hereditary breast and ovarian cancer syndrome (HBOC); Hereditary breast and ovarian cancer syndrome; Breast and ovarian cancer; BRCA1- and BRCA2-Associated Hereditary Breast and Ovarian Cancer; Hereditary breast and ovarian cancer; Hereditary breast and/or ovarian cancer syndrome. Identifiers: Orphanet 145, MedGen C0677776, MeSH D061325, MONDO:0003582. Disease mechanism: loss of function.
Hereditary cancer-predisposing syndrome. Also called: Neoplastic Syndromes, Hereditary; Hereditary Cancer Syndrome; Hereditary neoplastic syndrome; Tumor predisposition. Identifiers: Orphanet 140162, MedGen C0027672, MeSH D009386, MONDO:0015356.

Allele frequency attached by ClinVar (database versions not stated): gnomAD 0.00001.
gnomAD v4.1: 1 of 1,588,346 alleles (0.000063%); highest among the groups gnomAD compares: Admixed American, 0.0019%; no homozygotes.

Submissions (3):

Ambry Genetics
Classification: Uncertain significance for Hereditary cancer-predisposing syndrome. Last evaluated: 2025-03-19. Review status: criteria provided, single submitter. Criteria: Ambry Variant Classification Scheme 2023. Collection method: clinical testing. Allele origin: germline.
Comment: The p.F883S variant (also known as c.2648T>C), located in coding exon 10 of the BRCA2 gene, results from a T to C substitution at nucleotide position 2648. The phenylalanine at codon 883 is replaced by serine, an amino acid with highly dissimilar properties. This amino acid position is not well conserved in available vertebrate species. In addition, this alteration is predicted to be tolerated by in silico analysis. Since supporting evidence is limited at this time, the clinical significance of this alteration remains unclear.

Labcorp Genetics (formerly Invitae), Labcorp
Classification: Uncertain significance for Hereditary breast ovarian cancer syndrome. Last evaluated: 2024-05-29. Review status: criteria provided, single submitter. Criteria: Invitae Variant Classification Sherloc (09022015). Collection method: clinical testing. Allele origin: germline.
Comment: This sequence change replaces phenylalanine, which is neutral and non-polar, with serine, which is neutral and polar, at codon 883 of the BRCA2 protein (p.Phe883Ser). This variant is not present in population databases (gnomAD no frequency). This variant has not been reported in the literature in individuals affected with BRCA2-related conditions. ClinVar contains an entry for this variant (Variation ID: 479407). Advanced modeling of protein sequence and biophysical properties (such as structural, functional, and spatial information, amino acid conservation, physicochemical variation, residue mobility, and thermodynamic stability) performed at Invitae indicates that this missense variant is not expected to disrupt BRCA2 protein function with a negative predictive value of 95%. In summary, the available evidence is currently insufficient to determine the role of this variant in disease. Therefore, it has been classified as a Variant of Uncertain Significance.

University of Washington Department of Laboratory Medicine, University of Washington
Classification: Likely benign for Hereditary cancer-predisposing syndrome. Last evaluated: 2023-03-23. Review status: criteria provided, single submitter. Criteria: Dines et al. (Genet Med. 2020). Collection method: curation. Allele origin: germline.
Comment: Missense variant in a coldspot region where missense variants are very unlikely to be pathogenic (PMID:31911673).

BRCA2 exon 11 coldspot. Reclassification based on statistical prior probability.

NM_000059.4(BRCA2):c.2648T>C (p.Phe883Ser)

Gene: BRCA2 (BRCA2 DNA repair associated; plus strand). Cytogenetic location: 13q13.1.
Variant type: single nucleotide variant.
Coding change: c.2648T>C on transcript NM_000059.4 (MANE Select); coding-DNA position 2648, T replaced by C.
Protein change: p.Phe883Ser; replaces phenylalanine 883 with serine.
Molecular consequence: missense variant.
Genome position (GRCh38, 1-based): chr13:32,337,003, T>C. VCF-style: chr13-32337003-T-C. GRCh37 (hg19) VCF-style: chr13-32911140-T-C.
Other names: short protein forms F883S.
Identifiers: ClinVar variation 479407 (VCV000479407.15), dbSNP rs1555282770, ClinGen allele CA387773290.
Genomic context (GRCh38, chr13:32,337,003, plus strand): 5'-ATCAAGAAGAAACTACTTCAATTTCAAAAATAACTGTCAATCCAGACTCTGAAGAACTTT[T>C]CTCAGACAATGAGAATAATTTTGTCTTCCAAGTAGCTAATGAAAGGAATAATCTTGCTTT-3'
Protein context (NP_000050.3, residues 873-893): ITVNPDSEEL[Phe883Ser]SDNENNFVFQ